The following is an entry in ClinVar:

NM_001242896.3(DEPDC5):c.4546T>G (p.Ser1516Ala)

Gene: DEPDC5 (DEP domain containing 5, GATOR1 subcomplex subunit; plus strand). Cytogenetic location: 22q12.3.
Variant type: single nucleotide variant.
Coding change: c.4546T>G on transcript NM_001242896.3 (MANE Select); coding-DNA position 4546, T replaced by G.
Protein change: p.Ser1516Ala; replaces serine 1516 with alanine.
Molecular consequence: missense variant. On other transcripts: non-coding transcript variant (5).
Genome position (GRCh38, 1-based): chr22:31,906,231, T>G. VCF-style: chr22-31906231-T-G. GRCh37 (hg19) VCF-style: chr22-32302217-T-G.
Other names: c.4519T>G, p.Ser1507Ala (NM_001136029.4); c.4246T>G, p.Ser1416Ala (NM_001242897.2); c.4480T>G, p.Ser1494Ala (NM_001363852.2, NM_001364320.2); c.4312T>G, p.Ser1438Ala (NM_001363854.2, NM_001364319.2); c.4546T>G, p.Ser1516Ala (NM_001364318.2); c.4462T>G, p.Ser1488Ala (NM_001369901.1, NM_001369902.1); c.4453T>G, p.Ser1485Ala (NM_001369903.1, NM_014662.6); short protein forms S1438A, S1516A, S1416A, S1488A, S1507A, S1485A, S1494A.
Identifiers: ClinVar variation 3687573 (VCV003687573.2).

ClinVar aggregate classification (germline): Uncertain significance (1 of 4 stars; one submission).

Conditions:
Familial focal epilepsy with variable foci (FPEVF). Identifiers: Orphanet 98820, MedGen C1858477, MONDO:0020310.

Submission:

Labcorp Genetics (formerly Invitae), Labcorp
Classification: Uncertain significance for Familial focal epilepsy with variable foci. Last evaluated: 2024-05-17. Review status: criteria provided, single submitter. Criteria: Invitae Variant Classification Sherloc (09022015). Collection method: clinical testing. Allele origin: germline.
Comment: This sequence change replaces serine, which is neutral and polar, with alanine, which is neutral and non-polar, at codon 1516 of the DEPDC5 protein (p.Ser1516Ala). This variant is not present in population databases (gnomAD no frequency). This variant has not been reported in the literature in individuals affected with DEPDC5-related conditions. Experimental studies and prediction algorithms are not available or were not evaluated, and the functional significance of this variant is currently unknown. In summary, the available evidence is currently insufficient to determine the role of this variant in disease. Therefore, it has been classified as a Variant of Uncertain Significance.